The following is an entry in ClinVar:

NM_002769.5(PRSS1):c.328_330delinsCTG (p.Leu110=)

Genes: PRSS1 (serine protease 1; plus strand), TRB (T cell receptor beta locus; plus strand). Cytogenetic location: 7q34.
Variant type: Indel.
Coding change: c.328_330delinsCTG on transcript NM_002769.5 (MANE Select); coding-DNA positions 328 to 330, TTA replaced by CTG.
Protein change: p.Leu110=; no amino-acid change (leucine 110 retained).
Molecular consequence: synonymous variant. On other transcripts: non-coding transcript variant (4).
Genome position (GRCh38, 1-based): chr7:142,751,901-142,751,903, TTA replaced by CTG. VCF-style: chr7-142751901-TTA-CTG. GRCh37 (hg19) VCF-style: chr7-142459752-TTA-CTG.
Identifiers: ClinVar variation 4145692 (VCV004145692.1).

ClinVar aggregate classification (germline): Uncertain significance (1 of 4 stars; one submission).

Conditions:
Hereditary pancreatitis (PCTT). Also called: Hereditary chronic pancreatitis; PRSS1-Related Hereditary Pancreatitis. Identifiers: Orphanet 676, MedGen C0238339, MONDO:0008185, OMIM 167800.

Submission:

Ambry Genetics
Classification: Uncertain significance for Hereditary pancreatitis. Last evaluated: 2025-08-07. Review status: criteria provided, single submitter. Criteria: Ambry Variant Classification Scheme 2023. Collection method: clinical testing. Allele origin: germline.
Comment: The c.328_330delTTAinsCTG variant (also known as p.L110L), located in coding exon 3 of the PRSS1 gene, results from an in-frame deletion of TTA and insertion of CTG at nucleotide positions 328 to 330. This nucleotide substitution does not change the amino acid at codon 110. This amino acid position is highly conserved in available vertebrate species. In silico splice site analysis for this alteration is inconclusive. In addition as a synonymous alteration, this variant is predicted to be neutral by in silico analysis (Choi Y et al. PLoS ONE. 2012; 7(10):e46688). Based on the available evidence, the clinical significance of this variant remains unclear.